The following is an entry in ClinVar:

NM_000213.5(ITGB4):c.4430T>C (p.Val1477Ala)

Genes: GALK1 (galactokinase 1; minus strand), ITGB4 (integrin subunit beta 4; plus strand). Cytogenetic location: 17q25.1.
Variant type: single nucleotide variant.
Coding change: c.4430T>C on transcript NM_000213.5 (MANE Select); coding-DNA position 4430, T replaced by C.
Protein change: p.Val1477Ala; replaces valine 1477 with alanine.
Molecular consequence: missense variant. On other transcripts: intron variant (1).
Genome position (GRCh38, 1-based): chr17:75,754,687, T>C. VCF-style: chr17-75754687-T-C. GRCh37 (hg19) VCF-style: chr17-73750768-T-C.
Other names: c.4430T>C (NM_000213.4); c.*23-2950A>G (NM_001381985.1); c.4220T>C, p.Val1407Ala (NM_001005619.2, NM_001005731.3, NM_001321123.2 and 1 more transcripts); short protein forms V1407A, V1477A.
Identifiers: ClinVar variation 1985739 (VCV001985739.4), dbSNP rs374564280, ClinGen allele CA294084520.
Genomic context (GRCh38, chr17:75,754,687, plus strand): 5'-CCCTGCACAGGATGACCACGACCAGTGCTGCTGCCTATGGCACCCACCTGAGCCCACACG[T>C]GCCCCACCGCGTGCTAAGCACATCCTCCACCCTCACACGGGACTACAACTCACTGACCCG-3'
Protein context (NP_000204.3, residues 1467-1487): AAYGTHLSPH[Val1477Ala]PHRVLSTSST

ClinVar aggregate classification (germline): Conflicting classifications of pathogenicity. Review status: criteria provided, conflicting classifications (1 of 4 stars). 4 submissions from 4 submitters: Uncertain significance (3); Likely benign (1). Last evaluated 2025-07-29.

Conditions:
Inborn genetic diseases. Identifiers: MedGen C0950123, MeSH D030342.
Junctional epidermolysis bullosa with pyloric atresia. Also called: Epidermolysis bullosa, junctional, with pyloric atresia and aplasia cutis congenita; Epidermolysis bullosa junctionalis with pyloric atresia; APLASIA CUTIS CONGENITA WITH GASTROINTESTINAL ATRESIA; CARMI SYNDROME; EB-PA-ACC; ITGB4-Related Epidermolysis Bullosa with Pyloric Atresia. Identifiers: Orphanet 79403, MedGen C5676875, MONDO:0009183, OMIM 226730.
Epidermolysis bullosa, junctional 5A, intermediate. Also called: EPIDERMOLYSIS BULLOSA, JUNCTIONAL 5A, GENERALIZED INTERMEDIATE; EPIDERMOLYSIS BULLOSA, JUNCTIONAL 5A, NON-HERLITZ TYPE. Identifiers: MedGen C5676956, MONDO:0030768, OMIM 619816.
ITGB4-related disorder. Also called: ITGB4-related condition.

Allele frequency attached by ClinVar (database versions not stated): gnomAD 0.00001; TOPMed 0.00002; gnomAD exomes 0.00001.
gnomAD v4.1: 27 of 1,614,104 alleles (0.0017%); highest among the groups gnomAD compares: East Asian, 0.011%; no homozygotes.

Submissions (4):

Labcorp Genetics (formerly Invitae), Labcorp
Classification: Uncertain significance. Last evaluated: 2025-07-29. Review status: criteria provided, single submitter. Criteria: Invitae Variant Classification Sherloc (09022015). Collection method: clinical testing. Allele origin: germline.
Comment: This sequence change replaces valine, which is neutral and non-polar, with alanine, which is neutral and non-polar, at codon 1407 of the ITGB4 protein (p.Val1407Ala). This variant is present in population databases (rs374564280, gnomAD 0.01%). This variant has not been reported in the literature in individuals affected with ITGB4-related conditions. ClinVar contains an entry for this variant (Variation ID: 1985739). An algorithm developed to predict the effect of missense changes on protein structure and function (PolyPhen-2) suggests that this variant is likely to be tolerated. In summary, the available evidence is currently insufficient to determine the role of this variant in disease. Therefore, it has been classified as a Variant of Uncertain Significance.

PreventionGenetics, part of Exact Sciences
Classification: Uncertain significance for ITGB4-related condition. Last evaluated: 2025-05-08. Review status: criteria provided, single submitter. Criteria: ACMG Guidelines, 2015. Collection method: clinical testing. Allele origin: germline.
Comment: The ITGB4 c.4430T>C variant is predicted to result in the amino acid substitution p.Val1477Ala. To our knowledge, this variant has not been reported in the literature. This variant is reported in 0.011% of alleles in individuals of East Asian descent in gnomAD. At this time, the clinical significance of this variant is uncertain due to the absence of conclusive functional and genetic evidence.

Fulgent Genetics
Classification: Uncertain significance for Junctional epidermolysis bullosa with pyloric atresia; Epidermolysis bullosa, junctional 5A, intermediate. Last evaluated: 2024-06-17. Review status: criteria provided, single submitter. Criteria: ACMG Guidelines, 2015. Collection method: clinical testing. Allele origin: germline.

Ambry Genetics
Classification: Likely benign for Inborn genetic diseases. Last evaluated: 2024-01-30. Review status: criteria provided, single submitter. Criteria: Ambry Variant Classification Scheme 2023. Collection method: clinical testing. Allele origin: germline.